The following is an entry in ClinVar:

NM_001365951.3(KIF1B):c.4218G>C (p.Met1406Ile)

Gene: KIF1B (kinesin family member 1B; plus strand). Cytogenetic location: 1p36.22.
Variant type: single nucleotide variant.
Coding change: c.4218G>C on transcript NM_001365951.3 (MANE Select); coding-DNA position 4218, G replaced by C.
Protein change: p.Met1406Ile; replaces methionine 1406 with isoleucine.
Molecular consequence: missense variant.
Genome position (GRCh38, 1-based): chr1:10,361,739, G>C. VCF-style: chr1-10361739-G-C. GRCh37 (hg19) VCF-style: chr1-10421797-G-C.
Other names: c.4218G>C, p.Met1406Ile (NM_001365952.1); c.4080G>C, p.Met1360Ile (NM_015074.3); short protein forms M1406I, M1360I.
Identifiers: ClinVar variation 4043040 (VCV004043040.1).

ClinVar aggregate classification (germline): Uncertain significance (1 of 4 stars; one submission).

Submission:

Ambry Genetics
Classification: Uncertain significance. Last evaluated: 2025-03-31. Review status: criteria provided, single submitter. Criteria: Ambry Variant Classification Scheme 2023. Collection method: clinical testing. Allele origin: germline.
Comment: The p.M1360I variant (also known as c.4080G>C), located in coding exon 37 of the KIF1B gene, results from a G to C substitution at nucleotide position 4080. The methionine at codon 1360 is replaced by isoleucine, an amino acid with highly similar properties. This amino acid position is conserved. In addition, this alteration is predicted to be deleterious by in silico analysis. Based on the available evidence, the clinical significance of this variant remains unclear.